The following is an entry in ClinVar:

NM_001377295.2(GNAT2):c.319C>A (p.Leu107Ile)

Gene: GNAT2 (G protein subunit alpha transducin 2; minus strand). Cytogenetic location: 1p13.3.
Variant type: single nucleotide variant.
Coding change: c.319C>A on transcript NM_001377295.2 (MANE Select); coding-DNA position 319, C replaced by A.
Protein change: p.Leu107Ile; replaces leucine 107 with isoleucine.
Molecular consequence: missense variant.
Genome position (GRCh38, 1-based): chr1:109,608,773, G>T on the plus strand (C>A on the coding strand, the complement: GNAT2 is on the minus strand). VCF-style: chr1-109608773-G-T. GRCh37 (hg19) VCF-style: chr1-110151395-G-T.
Other names: c.319C>A, p.Leu107Ile (NM_001379232.1, NM_005272.5); short protein forms L107I.
Identifiers: ClinVar variation 259743 (VCV000259743.16), dbSNP rs3738766, ClinGen allele CA992451.

ClinVar aggregate classification (germline): Benign. Review status: criteria provided, multiple submitters, no conflicts (2 of 4 stars). 5 submissions from 5 submitters: Benign (5). Last evaluated 2026-02-02.

Conditions:
Achromatopsia 4 (ACHM4). Identifiers: Orphanet 49382, MedGen C1841721, MONDO:0013465, OMIM 613856.

Allele frequency attached by ClinVar (database versions not stated): TOPMed 0.02800; 1000 Genomes Project 30x 0.08510; ESP Exome Variant Server 0.01715; gnomAD 0.02487 and 0.03038; gnomAD exomes 0.05037 and 0.03528; 1000 Genomes Project 0.08866; ExAC 0.05014.
gnomAD v4.1: 56,597 of 1,613,600 alleles (3.5%); highest among the groups gnomAD compares: East Asian, 23%; 2,455 homozygotes.

Submissions (5):

Labcorp Genetics (formerly Invitae), Labcorp
Classification: Benign. Last evaluated: 2026-02-02. Review status: criteria provided, single submitter. Criteria: Invitae Variant Classification Sherloc (09022015). Collection method: clinical testing. Allele origin: germline.

Genome-Nilou Lab
Classification: Benign for Achromatopsia 4. Last evaluated: 2023-04-11. Review status: criteria provided, single submitter. Criteria: ACMG Guidelines, 2015. Collection method: clinical testing. Allele origin: germline. Affected: no.

Illumina Laboratory Services, Illumina
Classification: Benign for Achromatopsia 4. Last evaluated: 2018-01-12. Review status: criteria provided, single submitter. Criteria: ICSL Variant Classification Criteria 13 December 2019. Collection method: clinical testing. Allele origin: germline.
Comment: This variant was observed in the ICSL laboratory as part of a predisposition screen in an ostensibly healthy population. It had not been previously curated by ICSL or reported in the Human Gene Mutation Database (HGMD: prior to June 1st, 2018), and was therefore a candidate for classification through an automated scoring system. Utilizing variant allele frequency, disease prevalence and penetrance estimates, and inheritance mode, an automated score was calculated to assess if this variant is too frequent to cause the disease. Based on the score and internal cut-off values, a variant classified as benign is not then subjected to further curation. The score for this variant resulted in a classification of benign for this disease.

Breakthrough Genomics
Classification: Benign. Review status: criteria provided, single submitter. Criteria: ACMG Guidelines, 2015. Collection method: not provided. Allele origin: germline. Inheritance: Unknown mechanism. Affected: yes.

PreventionGenetics, part of Exact Sciences
Classification: Benign. Review status: criteria provided, single submitter. Criteria: ACMG Guidelines, 2015. Collection method: clinical testing. Allele origin: germline.